The following is an entry in ClinVar:

NM_002563.5(P2RY1):c.198C>T (p.Phe66=)

Genes: P2RY1 (purinergic receptor P2Y1; plus strand), LOC123230395 (Sharpr-MPRA regulatory region 13992; plus strand). Cytogenetic location: 3q25.2.
Variant type: single nucleotide variant.
Coding change: c.198C>T on transcript NM_002563.5 (MANE Select); coding-DNA position 198, C replaced by T.
Protein change: p.Phe66=; no amino-acid change (phenylalanine 66 retained).
Molecular consequence: synonymous variant.
Genome position (GRCh38, 1-based): chr3:152,835,980, C>T. VCF-style: chr3-152835980-C-T. GRCh37 (hg19) VCF-style: chr3-152553769-C-T.
Other names: p.Phe66=.
Identifiers: ClinVar variation 4684730 (VCV004684730.1).

ClinVar aggregate classification (germline): Likely benign (1 of 4 stars; one submission).

gnomAD v4.1: 625 of 1,614,192 alleles (0.039%); highest among the groups gnomAD compares: African/African-American, 0.64%; 3 homozygotes.

Submission:

Mayo Clinic Laboratories, Mayo Clinic
Classification: Likely benign. Last evaluated: 2024-10-29. Review status: criteria provided, single submitter. Criteria: ACMG Guidelines, 2015. Collection method: clinical testing. Allele origin: germline. Observed: 1 variant allele.
Comment: BS1_supporting, BS2_supporting, BP4, BP7